The following is an entry in ClinVar:

NM_001009944.3(PKD1):c.11314del (p.Ala3772fs)

Genes: PKD1 (polycystin 1, transient receptor potential channel interacting; minus strand), PKD1-AS1 (PKD1 antisense RNA 1; plus strand). Cytogenetic location: 16p13.3.
Variant type: Deletion.
Coding change: c.11314del on transcript NM_001009944.3 (MANE Select); coding-DNA position 11314, one base deleted (G; older notation c.11314delG).
Protein change: p.Ala3772fs; shifts the reading frame from alanine 3772.
Molecular consequence: frameshift variant.
Genome position (GRCh38, 1-based): chr16:2,092,144, C deleted on the plus strand (G on the coding strand, the reverse complement: PKD1 is on the minus strand); the first of 2 consecutive C bases (chr16:2,092,144-2,092,145); deleting either gives the same sequence. VCF-style (leftmost placement, unchanged base first): chr16-2092143-GC-G. GRCh37 (hg19) VCF-style: chr16-2142144-GC-G.
Other names: c.11311del, p.Ala3771fs (NM_000296.4); short protein forms A3772fs, A3771fs.
Identifiers: ClinVar variation 488405 (VCV000488405.6), dbSNP rs1555446033, ClinGen allele CA658683906.

ClinVar aggregate classification (germline): Pathogenic. Review status: criteria provided, multiple submitters, no conflicts (2 of 4 stars). 4 submissions from 4 submitters: Pathogenic (2). 2 of the submissions do not count toward it. Last evaluated 2020-10-23.

Conditions:
Polycystic kidney disease, adult type (PKD1). Also called: Polycystic Kidney Disease 1, Autosomal Dominant; Polycystic kidney disease 1; Polycystic kidney disease 1, severe; POLYCYSTIC KIDNEY DISEASE, ADULT, TYPE I; Polycystic Kidney, Autosomal Dominant; POLYCYSTIC KIDNEY DISEASE 1 WITH OR WITHOUT POLYCYSTIC LIVER DISEASE. Identifiers: MedGen C3149841, MONDO:0008263, OMIM 173900.
PKD1-related disorder. Also called: PKD1-related condition.

Submissions (4):

Blueprint Genetics
Classification: Pathogenic for PKD1-related disorders. Last evaluated: 2020-10-23. Review status: criteria provided, single submitter. Criteria: ACMG Guidelines, 2015. Collection method: clinical testing. Allele origin: germline. Affected: yes. Observed: 2 variant alleles.

Juno Genomics, Hangzhou Juno Genomics, Inc
Classification: Pathogenic for Polycystic kidney disease, adult type. Review status: criteria provided, single submitter. Criteria: ACMG Guidelines, 2015. Collection method: clinical testing. Allele origin: germline. Affected: yes.
Comment: Absent from controls (or at extremely low frequency if recessive) in Genome Aggregation Database, Exome Sequencing Project, 1000 Genomes Project, or Exome Aggregation Consortium.;Null variant in a gene where loss of function (LOF) is a known mechanism of disease.;The prevalence of the variant in affected individuals is significantly increased compared to the prevalence in controls.;Patient's phenotype or family history is highly specific for a disease with a single genetic etiology.

PreventionGenetics, part of Exact Sciences
Classification: Pathogenic for PKD1-related condition. Last evaluated: 2024-08-14. Review status: no assertion criteria provided. Collection method: clinical testing. Allele origin: germline. Not counted in ClinVar's aggregate classification.
Comment: The PKD1 c.11314delG variant is predicted to result in a frameshift and premature protein termination (p.Ala3772Profs*54). This variant was reported in individuals with autosomal dominant polycystic kidney disease (ADPKD) (reported as c.11313delG in Liu et al. 2015. PubMed ID: 26632257; reported as c.11314_11314delG in Raj et al. 2020. PubMed ID: 32823016). This variant has not been reported in a large population database, indicating this variant is rare. Frameshift variants in PKD1 are expected to be pathogenic. This variant is interpreted as pathogenic.

Centre for Genetic Disorders, Banaras Hindu University
Classification: Pathogenic for Polycystic kidney disease, adult type. Last evaluated: 2016-12-30. Review status: no assertion criteria provided. Collection method: research. Allele origin: germline. Inheritance: Autosomal dominant inheritance. Affected: yes. Not counted in ClinVar's aggregate classification.
Comment: This variant was not present in 100 control individuals. This coding region variant alters the translation frame. NM_001009944.2:c.11314delG (A3772Pfs*54) is a frameshift mutation leading to termination of protein synthesis at 3826 amino acid. MutationTaster predicts this variant to cause the disease.